The following is an entry in ClinVar:

NM_000414.4(HSD17B4):c.501A>C (p.Ala167=)

Gene: HSD17B4 (hydroxysteroid 17-beta dehydrogenase 4; plus strand). Cytogenetic location: 5q23.1.
Variant type: single nucleotide variant.
Coding change: c.501A>C on transcript NM_000414.4 (MANE Select); coding-DNA position 501, A replaced by C.
Protein change: p.Ala167=; no amino-acid change (alanine 167 retained).
Molecular consequence: synonymous variant.
Genome position (GRCh38, 1-based): chr5:119,478,900, A>C. VCF-style: chr5-119478900-A-C. GRCh37 (hg19) VCF-style: chr5-118814595-A-C.
Other names: c.576A>C, p.Ala192= (NM_001199291.3); c.447A>C, p.Ala149= (NM_001199292.2); c.429A>C, p.Ala143= (NM_001292027.2); c.81A>C, p.Ala27= (NM_001292028.2).
Identifiers: ClinVar variation 501432 (VCV000501432.37), dbSNP rs776640310, ClinGen allele CA3381868.

ClinVar aggregate classification (germline): Conflicting classifications of pathogenicity. Review status: criteria provided, conflicting classifications (1 of 4 stars). 3 submissions from 3 submitters: Uncertain significance (1); Likely benign (2). Last evaluated 2024-03-25.

Conditions:
Bifunctional peroxisomal enzyme deficiency (DBIF). Also called: PBFE DEFICIENCY; DBP DEFICIENCY; D-bifunctional protein deficiency. Identifiers: Orphanet 300, MedGen C0342870, MONDO:0009855, OMIM 261515. Disease mechanism: loss of function.
Perrault syndrome. Also called: Gonadal dysgenesis with auditory dysfunction, autosomal recessive inheritance. Identifiers: Orphanet 2855, MedGen C0685838, MONDO:0017312.

Allele frequency attached by ClinVar (database versions not stated): gnomAD 0.00001 and 0.00002; ExAC 0.00003; TOPMed 0.00003.
gnomAD v4.1: 51 of 1,613,632 alleles (0.0032%); highest among the groups gnomAD compares: Middle Eastern, 0.016%; no homozygotes.

Submissions (3):

Labcorp Genetics (formerly Invitae), Labcorp
Classification: Likely benign for Perrault syndrome; Bifunctional peroxisomal enzyme deficiency. Last evaluated: 2024-03-25. Review status: criteria provided, single submitter. Criteria: Invitae Variant Classification Sherloc (09022015). Collection method: clinical testing. Allele origin: germline.

CeGaT Center for Human Genetics Tuebingen
Classification: Likely benign. Last evaluated: 2023-12-01. Review status: criteria provided, single submitter. Criteria: CeGaT Center For Human Genetics Tuebingen Variant Classification Criteria Version 2. Collection method: clinical testing. Allele origin: germline. Affected: yes. Observed: 1 variant allele.
Comment: HSD17B4: BP4, BP7

Eurofins Ntd Llc (ga)
Classification: Uncertain significance. Last evaluated: 2017-12-13. Review status: criteria provided, single submitter. Criteria: EGL Classification Definitions 2015. Collection method: clinical testing. Allele origin: germline. Observed: 2 variant alleles, 2 heterozygotes.